The following is an entry in ClinVar:

NM_006206.6(PDGFRA):c.285A>T (p.Thr95=)

Gene: PDGFRA (platelet derived growth factor receptor alpha; plus strand). Cytogenetic location: 4q12.
Variant type: single nucleotide variant.
Coding change: c.285A>T on transcript NM_006206.6 (MANE Select); coding-DNA position 285, A replaced by T.
Protein change: p.Thr95=; no amino-acid change (threonine 95 retained).
Molecular consequence: synonymous variant.
Genome position (GRCh38, 1-based): chr4:54,261,330, A>T. VCF-style: chr4-54261330-A-T. GRCh37 (hg19) VCF-style: chr4-55127497-A-T.
Other names: c.285A>T, p.Thr95= (NM_001347827.2, NM_001347829.2); c.360A>T, p.Thr120= (NM_001347828.2); c.324A>T, p.Thr108= (NM_001347830.2).
Identifiers: ClinVar variation 1123483 (VCV001123483.10), dbSNP rs1230732528, ClinGen allele CA439408699.

ClinVar aggregate classification (germline): Benign/Likely benign. Review status: criteria provided, multiple submitters, no conflicts (2 of 4 stars). 2 submissions from 2 submitters: Benign (1); Likely benign (1). Last evaluated 2026-06-16.

Conditions:
Gastrointestinal stromal tumor. Also called: Gastrointestinal stroma tumor; Gastrointestinal stromal tumor, somatic. Identifiers: Orphanet 44890, MedGen C0238198, MeSH D046152, MONDO:0011719, OMIM 606764, HP:0100723.
Polyps, multiple and recurrent inflammatory fibroid, gastrointestinal. Identifiers: MedGen C5193005, MONDO:0008285, OMIM 175510.

Submissions (2):

Myriad Genetics, Inc.
Classification: Benign for Polyps, multiple and recurrent inflammatory fibroid, gastrointestinal. Last evaluated: 2026-06-16. Review status: criteria provided, single submitter. Criteria: Myriad Autosomal Dominant, Autosomal Recessive and X-Linked Classification Criteria (2023). Collection method: clinical testing. Allele origin: unknown.
Comment: This variant is considered benign. This variant is a silent/synonymous amino acid change and it is not expected to impact splicing.

Labcorp Genetics (formerly Invitae), Labcorp
Classification: Likely benign for Gastrointestinal stromal tumor. Last evaluated: 2022-03-27. Review status: criteria provided, single submitter. Criteria: Invitae Variant Classification Sherloc (09022015). Collection method: clinical testing. Allele origin: germline.